The following is an entry in ClinVar:

NM_020297.4(ABCC9):c.406+320A>G

Gene: ABCC9 (ATP binding cassette subfamily C member 9; minus strand). Cytogenetic location: 12p12.1.
Variant type: single nucleotide variant.
Coding change: c.406+320A>G on transcript NM_020297.4 (MANE Select); 320 bases into the intron after coding-DNA position 406, A replaced by G.
Molecular consequence: intron variant.
Genome position (GRCh38, 1-based): chr12:21,925,622, T>C on the plus strand (A>G on the coding strand, the complement: ABCC9 is on the minus strand). VCF-style: chr12-21925622-T-C. GRCh37 (hg19) VCF-style: chr12-22078556-T-C.
Other names: c.-49+320A>G (NM_001377274.1); c.406+320A>G (NM_005691.4, NM_001377273.1).
Identifiers: ClinVar variation 681184 (VCV000681184.2), dbSNP rs2277404, ClinGen allele CA13644031.

ClinVar aggregate classification (germline): Benign. Review status: criteria provided, multiple submitters, no conflicts (2 of 4 stars). 2 submissions from 2 submitters: Benign (2). Last evaluated 2018-06-14.

Allele frequency attached by ClinVar (database versions not stated): TOPMed 0.31752; gnomAD 0.33409 and 0.34395; 1000 Genomes Project 30x 0.34244; 1000 Genomes Project 0.35403; gnomAD exomes 0.43801.
gnomAD v4.1: 275,143 of 661,812 alleles (42%); highest among the groups gnomAD compares: East Asian, 53%; 61,094 homozygotes.

Submissions (2):

GeneDx
Classification: Benign. Last evaluated: 2018-06-14. Review status: criteria provided, single submitter. Criteria: GeneDx Variant Classification (06012015). Collection method: clinical testing. Allele origin: germline. Affected: yes.
Comment: This variant is considered likely benign or benign based on one or more of the following criteria: it is a conservative change, it occurs at a poorly conserved position in the protein, it is predicted to be benign by multiple in silico algorithms, and/or has population frequency not consistent with disease.

Breakthrough Genomics
Classification: Benign. Review status: criteria provided, single submitter. Criteria: ACMG Guidelines, 2015. Collection method: not provided. Allele origin: germline. Inheritance: Autosomal recessive inheritance. Affected: yes.